The following is an entry in ClinVar:

ClinVar aggregate classification (germline): Uncertain significance (1 of 4 stars; one submission).

gnomAD v4.1: 1 of 1,613,364 alleles (0.000062%); highest among the groups gnomAD compares: Non-Finnish European, 0.000085%; no homozygotes.

Submission:

Labcorp Genetics (formerly Invitae), Labcorp
Classification: Uncertain significance. Last evaluated: 2021-09-09. Review status: criteria provided, single submitter. Criteria: Invitae Variant Classification Sherloc (09022015). Collection method: clinical testing. Allele origin: germline.
Comment: Algorithms developed to predict the effect of missense changes on protein structure and function (SIFT, PolyPhen-2, Align-GVGD) all suggest that this variant is likely to be tolerated. This sequence change replaces arginine with leucine at codon 42 of the SLC25A12 protein (p.Arg42Leu). The arginine residue is moderately conserved and there is a moderate physicochemical difference between arginine and leucine. This variant is not present in population databases (ExAC no frequency). This variant has not been reported in the literature in individuals affected with SLC25A12-related conditions. In summary, the available evidence is currently insufficient to determine the role of this variant in disease. Therefore, it has been classified as a Variant of Uncertain Significance.

NM_003705.5(SLC25A12):c.125G>T (p.Arg42Leu)

Gene: SLC25A12 (solute carrier family 25 member 12; minus strand). Cytogenetic location: 2q31.1.
Variant type: single nucleotide variant.
Coding change: c.125G>T on transcript NM_003705.5 (MANE Select); coding-DNA position 125, G replaced by T.
Protein change: p.Arg42Leu; replaces arginine 42 with leucine.
Molecular consequence: missense variant. On other transcripts: non-coding transcript variant (1).
Genome position (GRCh38, 1-based): chr2:171,868,765, C>A on the plus strand (G>T on the coding strand, the complement: SLC25A12 is on the minus strand). VCF-style: chr2-171868765-C-A. GRCh37 (hg19) VCF-style: chr2-172725275-C-A.
Other names: short protein forms R42L.
Identifiers: ClinVar variation 1450129 (VCV001450129.6), dbSNP rs143779282, ClinGen allele CA349636830.
Genomic context (GRCh38, chr2:171,868,765, plus strand): 5'-CCTGCCAAGAGCTGCACGATCTTTGGGTTACTATTTGGATCATTATACAGTCCAAGATAG[C>A]GCTGAACAAAGTCTTCTGGGGTCATATAACGCTCTCCATCAACCTCAGTACTGGCATACT-3'
Protein context (NP_003696.2, residues 32-52): RYMTPEDFVQ[Arg42Leu]YLGLYNDPNS